The following is an entry in ClinVar:

NM_000093.5(COL5A1):c.2592+17G>A

Gene: COL5A1 (collagen type V alpha 1 chain; plus strand). Cytogenetic location: 9q34.3.
Variant type: single nucleotide variant.
Coding change: c.2592+17G>A on transcript NM_000093.5 (MANE Select); 17 bases into the intron after coding-DNA position 2592, G replaced by A.
Molecular consequence: intron variant.
Genome position (GRCh38, 1-based): chr9:134,785,113, G>A. VCF-style: chr9-134785113-G-A. GRCh37 (hg19) VCF-style: chr9-137676959-G-A.
Other names: c.2592+17G>A (NM_001278074.1).
Identifiers: ClinVar variation 510686 (VCV000510686.11), dbSNP rs750947144, ClinGen allele CA5319459.

ClinVar aggregate classification (germline): Likely benign. Review status: criteria provided, multiple submitters, no conflicts (2 of 4 stars). 4 submissions from 4 submitters: Likely benign (4). Last evaluated 2025-12-08.

Conditions:
Ehlers-Danlos syndrome, classic type, 1 (EDSCL1). Also called: Ehlers-Danlos syndrome, type 1; EHLERS-DANLOS SYNDROME, GRAVIS TYPE; EHLERS-DANLOS SYNDROME, SEVERE CLASSIC TYPE; EDS I; Ehlers-Danlos Syndrome, Classic Type, COL5A1-Related. Identifiers: MedGen C0268335, MONDO:0019567, OMIM 130000.

Allele frequency attached by ClinVar (database versions not stated): ExAC 0.00002; gnomAD exomes 0.00003 and 0.00004; gnomAD 0.00004; TOPMed 0.00004.
gnomAD v4.1: 43 of 1,592,162 alleles (0.0027%); highest among the groups gnomAD compares: Middle Eastern, 0.017%; no homozygotes.

Submissions (4):

Labcorp Genetics (formerly Invitae), Labcorp
Classification: Likely benign for Ehlers-Danlos syndrome, classic type, 1. Last evaluated: 2025-12-08. Review status: criteria provided, single submitter. Criteria: Invitae Variant Classification Sherloc (09022015). Collection method: clinical testing. Allele origin: germline.

Women's Health and Genetics/Laboratory Corporation of America, LabCorp
Classification: Likely benign. Last evaluated: 2024-11-10. Review status: criteria provided, single submitter. Criteria: LabCorp Variant Classification Summary - May 2015. Collection method: clinical testing. Allele origin: germline.

Blueprint Genetics
Classification: Likely benign. Last evaluated: 2024-09-23. Review status: criteria provided, single submitter. Criteria: ACMG Guidelines, 2015. Collection method: clinical testing. Allele origin: germline.

GeneDx
Classification: Likely benign. Last evaluated: 2017-08-10. Review status: criteria provided, single submitter. Criteria: GeneDx Variant Classification (06012015). Collection method: clinical testing. Allele origin: germline. Affected: yes.
Comment: This variant is considered likely benign or benign based on one or more of the following criteria: it is a conservative change, it occurs at a poorly conserved position in the protein, it is predicted to be benign by multiple in silico algorithms, and/or has population frequency not consistent with disease.